The following is an entry in ClinVar:

NM_005101.4(ISG15):c.65C>T (p.Ser22Phe)

Gene: ISG15 (ISG15 ubiquitin like modifier; plus strand). Cytogenetic location: 1p36.33.
Variant type: single nucleotide variant.
Coding change: c.65C>T on transcript NM_005101.4 (MANE Select); coding-DNA position 65, C replaced by T.
Protein change: p.Ser22Phe; replaces serine 22 with phenylalanine.
Molecular consequence: missense variant.
Genome position (GRCh38, 1-based): chr1:1,014,045, C>T. VCF-style: chr1-1014045-C-T. GRCh37 (hg19) VCF-style: chr1-949425-C-T.
Other names: c.65C>T (NM_005101.3); short protein forms S22F.
Identifiers: ClinVar variation 1403707 (VCV001403707.6), dbSNP rs145771350, ClinGen allele CA507603.

ClinVar aggregate classification (germline): Uncertain significance. Review status: criteria provided, multiple submitters, no conflicts (2 of 4 stars). 2 submissions from 2 submitters: Uncertain significance (2). Last evaluated 2025-10-07.

Conditions:
Mendelian susceptibility to mycobacterial diseases due to complete ISG15 deficiency. Also called: Immunodeficiency 38 with basal ganglia calcification; Immunodeficiency 38; IMMUNODEFICIENCY 38, MYCOBACTERIOSIS, AUTOSOMAL RECESSIVE; ISG15 DEFICIENCY, AUTOSOMAL RECESSIVE. Identifiers: Orphanet 319563, MedGen C4015293, MONDO:0014502, OMIM 616126.

Allele frequency attached by ClinVar (database versions not stated): TOPMed 0.00007; ExAC 0.00004; gnomAD exomes 0.00005; ESP Exome Variant Server 0.00008; gnomAD 0.00009.

Submissions (2):

Ambry Genetics
Classification: Uncertain significance. Last evaluated: 2025-10-07. Review status: criteria provided, single submitter. Criteria: Ambry Variant Classification Scheme 2023. Collection method: clinical testing. Allele origin: germline.

Labcorp Genetics (formerly Invitae), Labcorp
Classification: Uncertain significance for Mendelian susceptibility to mycobacterial diseases due to complete ISG15 deficiency. Last evaluated: 2021-09-09. Review status: criteria provided, single submitter. Criteria: Invitae Variant Classification Sherloc (09022015). Collection method: clinical testing. Allele origin: germline.
Comment: This sequence change replaces serine with phenylalanine at codon 22 of the ISG15 protein (p.Ser22Phe). The serine residue is moderately conserved and there is a large physicochemical difference between serine and phenylalanine. This variant is present in population databases (rs145771350, ExAC 0.05%). This variant has not been reported in the literature in individuals affected with ISG15-related conditions. Algorithms developed to predict the effect of missense changes on protein structure and function are either unavailable or do not agree on the potential impact of this missense change (SIFT: "Deleterious"; PolyPhen-2: "Benign"; Align-GVGD: "Class C15"). In summary, the available evidence is currently insufficient to determine the role of this variant in disease. Therefore, it has been classified as a Variant of Uncertain Significance.